The following is an entry in ClinVar:

ClinVar aggregate classification (germline): Likely pathogenic (1 of 4 stars; one submission).

Conditions:
WT1-related disorder. Also called: WT1-related disorders. Identifiers: MedGen CN377814.

Submission:

Rady Children's Institute for Genomic Medicine, Rady Children's Hospital San Diego
Classification: Likely pathogenic for WT1-related disorders. Last evaluated: 2025-12-04. Review status: criteria provided, single submitter. Criteria: ACMG Guidelines, 2015. Collection method: clinical testing. Allele origin: germline. Affected: yes.
Comment: This variant is c.1489G>T (p.Asp497Tyr) by legacy nomenclature. Missense variation is an established mechanism of disease for WT1-related disorders (PMID: 32352694). The c.1504G>T (p.Asp502Tyr) variant affects a highly conserved amino acid; however, in silico tools used to predict the effect of this variant on protein function yield discordant results. This variant has not been previously reported or functionally characterized in the literature to our knowledge. Different amino acid changes at the same residue (p.Asp502His, p.Asp502Glu, p.Asp502Gly; legacy nomenclature p.Asp497) and at nearby residues (p.Arg500Gln, p.Arg500Gly; legacy nomenclature p.Arg495) have been previously reported in individuals with features that overlap those of WT1-related disorders (PMID: 39363361, 38265486, 36176665, 31937884, 38972501, 32493750). The c.1504G>T (p.Asp502Tyr) variant is absent from the latest version of the gnomAD population database and thus is presumed to be rare. Based on parental analysis, this variant likely occurred as a de novo event. Based on the available evidence, c.1504G>T (p.Asp502Tyr) is classified as Likely Pathogenic.

Literature cited by the submitters: PubMed 31937884; PubMed 32352694; PubMed 32493750; PubMed 36176665; PubMed 38265486; PubMed 38972501; PubMed 39363361.

NM_024426.6(WT1):c.1504G>T (p.Asp502Tyr)

Gene: WT1 (WT1 transcription factor; minus strand). Cytogenetic location: 11p13.
Variant type: single nucleotide variant.
Coding change: c.1504G>T on transcript NM_024426.6 (MANE Select); coding-DNA position 1504, G replaced by T.
Protein change: p.Asp502Tyr; replaces aspartic acid 502 with tyrosine.
Molecular consequence: missense variant. On other transcripts: non-coding transcript variant (2).
Genome position (GRCh38, 1-based): chr11:32,389,123, C>A on the plus strand (G>T on the coding strand, the complement: WT1 is on the minus strand). VCF-style: chr11-32389123-C-A. GRCh37 (hg19) VCF-style: chr11-32410669-C-A.
Other names: c.1444G>T, p.Asp482Tyr (NM_000378.6); c.844G>T, p.Asp282Tyr (NM_001198551.2); c.802G>T, p.Asp268Tyr (NM_001198552.2); c.316G>T, p.Asp106Tyr (NM_001367854.1); c.1489G>T, p.Asp497Tyr (NM_001407044.1); c.1453G>T, p.Asp485Tyr (NM_001407045.1); c.1411G>T, p.Asp471Tyr (NM_001407046.1); c.1372G>T, p.Asp458Tyr (NM_001407047.1); and 9 more; short protein forms D106Y, D248Y, D268Y, D282Y, D409Y, D412Y, D426Y, D429Y.
Identifiers: ClinVar variation 4814206 (VCV004814206.1).